The following is an entry in ClinVar:

NM_033305.3(VPS13A):c.7913C>T (p.Ala2638Val)

Gene: VPS13A (vacuolar protein sorting 13 homolog A; plus strand). Cytogenetic location: 9q21.2.
Variant type: single nucleotide variant.
Coding change: c.7913C>T on transcript NM_033305.3 (MANE Select); coding-DNA position 7913, C replaced by T.
Protein change: p.Ala2638Val; replaces alanine 2638 with valine.
Molecular consequence: missense variant.
Genome position (GRCh38, 1-based): chr9:77,357,798, C>T. VCF-style: chr9-77357798-C-T. GRCh37 (hg19) VCF-style: chr9-79972714-C-T.
Other names: c.7796C>T, p.Ala2599Val (NM_001018037.2); c.7913C>T, p.Ala2638Val (NM_001018038.3, NM_015186.4); short protein forms A2638V, A2599V.
Identifiers: ClinVar variation 2074510 (VCV002074510.2), dbSNP rs1355401755, ClinGen allele CA373859129.

ClinVar aggregate classification (germline): Uncertain significance (1 of 4 stars; one submission).

Allele frequency attached by ClinVar (database versions not stated): gnomAD 0.00001; TOPMed 0.00002.
gnomAD v4.1: 2 of 1,613,388 alleles (0.00012%); highest among the groups gnomAD compares: Admixed American, 0.0017%; no homozygotes.

Submission:

Labcorp Genetics (formerly Invitae), Labcorp
Classification: Uncertain significance. Last evaluated: 2022-04-10. Review status: criteria provided, single submitter. Criteria: Invitae Variant Classification Sherloc (09022015). Collection method: clinical testing. Allele origin: germline.
Comment: In summary, the available evidence is currently insufficient to determine the role of this variant in disease. Therefore, it has been classified as a Variant of Uncertain Significance. Algorithms developed to predict the effect of missense changes on protein structure and function (SIFT, PolyPhen-2, Align-GVGD) all suggest that this variant is likely to be tolerated. This variant has not been reported in the literature in individuals affected with VPS13A-related conditions. This variant is not present in population databases (gnomAD no frequency). This sequence change replaces alanine, which is neutral and non-polar, with valine, which is neutral and non-polar, at codon 2638 of the VPS13A protein (p.Ala2638Val).